The following is an entry in ClinVar:

NM_001987.5(ETV6):c.442_459del (p.Leu148_Glu153del)

Gene: ETV6 (ETS variant transcription factor 6; plus strand). Cytogenetic location: 12p13.2.
Variant type: Deletion.
Coding change: c.442_459del on transcript NM_001987.5 (MANE Select); coding-DNA positions 442 to 459, 18 bases deleted (CTGCATCAGAACCATGAA).
Protein change: p.Leu148_Glu153del.
Molecular consequence: inframe deletion.
Genome position (GRCh38, 1-based): chr12:11,853,540-11,853,557, CTGCATCAGAACCATGAA deleted; deleting any 18 consecutive bases within chr12:11,853,539-11,853,557 gives the same sequence; the c. name uses the placement nearest the transcript's 3' end. VCF-style (leftmost placement, unchanged base first): chr12-11853538-TACTGCATCAGAACCATGA-T. GRCh37 (hg19) VCF-style: chr12-12006472-TACTGCATCAGAACCATGA-T.
Other names: c.439_456del, p.Leu147_Glu152del (NM_001413913.1); c.415_432del, p.Leu139_Glu144del (NM_001413914.1); c.178_195del, p.Leu60_Glu65del (NM_001413915.1); c.442_459del, p.Leu148_Glu153del (NM_001413916.1, NM_001413917.1).
Identifiers: ClinVar variation 4618889 (VCV004618889.1).
Genomic context (GRCh38, chr12:11,853,538, plus strand): 5'-GGATTCTTTTTTCACCATTCTTCCACCCTGGAAACTCTATACACACACAGCCGGAGGTCA[TACTGCATCAGAACCATGA>T]AGAAGGTACTGGAAGAGGTTTCTCTTTTCTTGCCTGAGGTTTAGACAAATCCAGGAAGTT-3'

ClinVar aggregate classification (germline): Uncertain significance (1 of 4 stars; one submission).

Conditions:
Inborn genetic diseases. Identifiers: MedGen C0950123, MeSH D030342.

Submission:

Ambry Genetics
Classification: Uncertain significance for Inborn genetic diseases. Last evaluated: 2025-12-11. Review status: criteria provided, single submitter. Criteria: Ambry Variant Classification Scheme 2023. Collection method: clinical testing. Allele origin: germline.
Comment: The c.442_459del18 variant (also known as p.L148_E153del) is located in coding exon 4 of the ETV6 gene. This variant results from an in-frame CTGCATCAGAACCATGAA deletion at nucleotide positions 442 to 459. This results in the in-frame deletion at codon 148 through codon 153. This amino acid region is not well conserved in available vertebrate species. In addition, this variant is predicted to be deleterious by in silico analysis (Choi Y et al. PLoS ONE. 2012; 7(10):e46688). Based on the available evidence, the clinical significance of this variant remains unclear.